The following is an entry in ClinVar:

ClinVar aggregate classification (germline): Uncertain significance. Review status: criteria provided, multiple submitters, no conflicts (2 of 4 stars). 3 submissions from 3 submitters: Uncertain significance (3). Last evaluated 2025-10-05.

Conditions:
IL21-related infantile inflammatory bowel disease. Also called: IL21 DEFICIENCY; Common variable immunodeficiency 11. Identifiers: Orphanet 238569, Orphanet 477661, MedGen C5567788, MONDO:0014338, OMIM 615767.

Allele frequency attached by ClinVar (database versions not stated): gnomAD 0.00003; gnomAD exomes 0.00005 and 0.00008; ExAC 0.00007; TOPMed 0.00010; ESP Exome Variant Server 0.00015; 1000 Genomes Project 30x 0.00016; 1000 Genomes Project 0.00020.

Submissions (3):

Labcorp Genetics (formerly Invitae), Labcorp
Classification: Uncertain significance. Last evaluated: 2025-10-05. Review status: criteria provided, single submitter. Criteria: Invitae Variant Classification Sherloc (09022015). Collection method: clinical testing. Allele origin: germline.
Comment: This sequence change replaces arginine, which is basic and polar, with histidine, which is basic and polar, at codon 40 of the IL21 protein (p.Arg40His). This variant is present in population databases (rs141748932, gnomAD 0.01%). This variant has not been reported in the literature in individuals affected with IL21-related conditions. ClinVar contains an entry for this variant (Variation ID: 945417). An algorithm developed to predict the effect of missense changes on protein structure and function (PolyPhen-2) suggests that this variant is likely to be tolerated. In summary, the available evidence is currently insufficient to determine the role of this variant in disease. Therefore, it has been classified as a Variant of Uncertain Significance.

Ambry Genetics
Classification: Uncertain significance. Last evaluated: 2025-08-14. Review status: criteria provided, single submitter. Criteria: Ambry Variant Classification Scheme 2023. Collection method: clinical testing. Allele origin: germline.

Baylor Genetics
Classification: Uncertain significance for IL21-related infantile inflammatory bowel disease. Last evaluated: 2018-04-13. Review status: criteria provided, single submitter. Criteria: ACMG Guidelines, 2015. Collection method: clinical testing. Allele origin: paternal. Affected: yes.
Comment: This variant was determined to be of uncertain significance according to ACMG Guidelines, 2015 [PMID:25741868].

NM_021803.4(IL21):c.119G>A (p.Arg40His)

Genes: IL21 (interleukin 21; minus strand), IL21-AS1 (IL21 antisense RNA 1; plus strand), LOC126807147 (CDK7 strongly-dependent group 2 enhancer GRCh37_chr4:123541308-123542507; plus strand). Cytogenetic location: 4q27.
Variant type: single nucleotide variant.
Coding change: c.119G>A on transcript NM_021803.4 (MANE Select); coding-DNA position 119, G replaced by A.
Protein change: p.Arg40His; replaces arginine 40 with histidine.
Molecular consequence: missense variant. On other transcripts: non-coding transcript variant (1).
Genome position (GRCh38, 1-based): chr4:122,620,893, C>T on the plus strand (G>A on the coding strand, the complement: IL21 is on the minus strand). VCF-style: chr4-122620893-C-T. GRCh37 (hg19) VCF-style: chr4-123542048-C-T.
Other names: c.119G>A, p.Arg40His (NM_001207006.3); c.119G>A (NM_021803.2); short protein forms R40H.
Identifiers: ClinVar variation 945417 (VCV000945417.9), dbSNP rs141748932, ClinGen allele CA3069191.